The following is an entry in ClinVar:

NM_001042492.3(NF1):c.1280C>T (p.Pro427Leu)

Gene: NF1 (neurofibromin 1; plus strand). Cytogenetic location: 17q11.2.
Variant type: single nucleotide variant.
Coding change: c.1280C>T on transcript NM_001042492.3 (MANE Select); coding-DNA position 1280, C replaced by T.
Protein change: p.Pro427Leu; replaces proline 427 with leucine.
Molecular consequence: missense variant.
Genome position (GRCh38, 1-based): chr17:31,206,259, C>T. VCF-style: chr17-31206259-C-T. GRCh37 (hg19) VCF-style: chr17-29533277-C-T.
Other names: c.1280C>T, p.Pro427Leu (NM_000267.4, NM_001128147.3); short protein forms P427L.
Identifiers: ClinVar variation 641025 (VCV000641025.5), dbSNP rs1597688746, ClinGen allele CA398999150.

ClinVar aggregate classification (germline): Uncertain significance (1 of 4 stars; one submission).

Conditions:
Neurofibromatosis, type 1 (NF1). Also called: NEUROFIBROMATOSIS, TYPE I, SOMATIC; VON RECKLINGHAUSEN DISEASE; Neurofibromatosis, type I; Peripheral type neurofibromatosis. Identifiers: Orphanet 636, MedGen C0027831, MONDO:0018975, OMIM 162200. Disease mechanism: loss of function.

Submission:

Labcorp Genetics (formerly Invitae), Labcorp
Classification: Uncertain significance for Neurofibromatosis, type 1. Last evaluated: 2023-12-06. Review status: criteria provided, single submitter. Criteria: Invitae Variant Classification Sherloc (09022015). Collection method: clinical testing. Allele origin: germline.
Comment: This sequence change replaces proline, which is neutral and non-polar, with leucine, which is neutral and non-polar, at codon 427 of the NF1 protein (p.Pro427Leu). This variant is not present in population databases (gnomAD no frequency). This variant has not been reported in the literature in individuals affected with NF1-related conditions. ClinVar contains an entry for this variant (Variation ID: 641025). Advanced modeling of protein sequence and biophysical properties (such as structural, functional, and spatial information, amino acid conservation, physicochemical variation, residue mobility, and thermodynamic stability) performed at Invitae indicates that this missense variant is expected to disrupt NF1 protein function with a positive predictive value of 95%. In summary, the available evidence is currently insufficient to determine the role of this variant in disease. Therefore, it has been classified as a Variant of Uncertain Significance.